The following is an entry in ClinVar:

NM_006944.3(SPP2):c.500G>T (p.Gly167Val)

Gene: SPP2 (secreted phosphoprotein 2; plus strand). Cytogenetic location: 2q37.1.
Variant type: single nucleotide variant.
Coding change: c.500G>T on transcript NM_006944.3 (MANE Select); coding-DNA position 500, G replaced by T.
Protein change: p.Gly167Val; replaces glycine 167 with valine.
Molecular consequence: missense variant.
Genome position (GRCh38, 1-based): chr2:234,067,224, G>T. VCF-style: chr2-234067224-G-T. GRCh37 (hg19) VCF-style: chr2-234975868-G-T.
Other names: short protein forms G167V.
Identifiers: ClinVar variation 4724230 (VCV004724230.1).

ClinVar aggregate classification (germline): Uncertain significance (1 of 4 stars; one submission).

Submission:

Labcorp Genetics (formerly Invitae), Labcorp
Classification: Uncertain significance. Last evaluated: 2025-07-29. Review status: criteria provided, single submitter. Criteria: Invitae Variant Classification Sherloc (09022015). Collection method: clinical testing. Allele origin: germline.
Comment: This sequence change replaces glycine, which is neutral and non-polar, with valine, which is neutral and non-polar, at codon 167 of the SPP2 protein (p.Gly167Val). This variant is not present in population databases (gnomAD no frequency). This variant has not been reported in the literature in individuals affected with SPP2-related conditions. An algorithm developed to predict the effect of missense changes on protein structure and function (PolyPhen-2) suggests that this variant is likely to be disruptive. Algorithms developed to predict the effect of sequence changes on RNA splicing suggest that this variant may disrupt the consensus splice site. In summary, the available evidence is currently insufficient to determine the role of this variant in disease. Therefore, it has been classified as a Variant of Uncertain Significance.